The following is an entry in ClinVar:

NM_007059.4(KPTN):c.102C>T (p.Gly34=)

Gene: KPTN (kaptin, actin binding protein; minus strand). Cytogenetic location: 19q13.32.
Variant type: single nucleotide variant.
Coding change: c.102C>T on transcript NM_007059.4 (MANE Select); coding-DNA position 102, C replaced by T.
Protein change: p.Gly34=; no amino-acid change (glycine 34 retained).
Molecular consequence: synonymous variant. On other transcripts: non-coding transcript variant (1).
Genome position (GRCh38, 1-based): chr19:47,484,059, G>A on the plus strand (C>T on the coding strand, the complement: KPTN is on the minus strand). VCF-style: chr19-47484059-G-A. GRCh37 (hg19) VCF-style: chr19-47987316-G-A.
Other names: c.102C>T, p.Gly34= (NM_001291296.2).
Identifiers: ClinVar variation 935798 (VCV000935798.11), dbSNP rs377099246, ClinGen allele CA9540560.

ClinVar aggregate classification (germline): Likely benign. Review status: criteria provided, multiple submitters, no conflicts (2 of 4 stars). 2 submissions from 2 submitters: Likely benign (2). Last evaluated 2024-09-20.

Conditions:
Macrocephaly-developmental delay syndrome (MRT41). Also called: INTELLECTUAL DEVELOPMENTAL DISORDER, AUTOSOMAL RECESSIVE 41. Identifiers: Orphanet 397612, MedGen C3810225, MONDO:0014289, OMIM 615637.

Allele frequency attached by ClinVar (database versions not stated): gnomAD 0.00005; ExAC 0.00007; gnomAD exomes 0.00009; TOPMed 0.00011; ESP Exome Variant Server 0.00018.
gnomAD v4.1: 398 of 1,610,160 alleles (0.025%); highest among the groups gnomAD compares: Non-Finnish European, 0.032%; no homozygotes.

Submissions (2):

3billion
Classification: Likely benign for Macrocephaly-developmental delay syndrome. Last evaluated: 2024-09-20. Review status: criteria provided, single submitter. Criteria: ACMG Guidelines, 2015. Collection method: clinical testing. Allele origin: germline. Affected: no.
Comment: The homozygous variant was found in patients diagnosed with another variant in a different gene, with no symptoms related to the gene containing the homozygous variant.

Labcorp Genetics (formerly Invitae), Labcorp
Classification: Likely benign for Macrocephaly-developmental delay syndrome. Last evaluated: 2024-02-17. Review status: criteria provided, single submitter. Criteria: Invitae Variant Classification Sherloc (09022015). Collection method: clinical testing. Allele origin: germline.